The following is an entry in ClinVar:

NM_206965.2(FTCD):c.625G>A (p.Gly209Arg)

Gene: FTCD (formimidoyltransferase cyclodeaminase; minus strand). Cytogenetic location: 21q22.3.
Variant type: single nucleotide variant.
Coding change: c.625G>A on transcript NM_206965.2 (MANE Select); coding-DNA position 625, G replaced by A.
Protein change: p.Gly209Arg; replaces glycine 209 with arginine.
Molecular consequence: missense variant.
Genome position (GRCh38, 1-based): chr21:46,151,569, C>T on the plus strand (G>A on the coding strand, the complement: FTCD is on the minus strand). VCF-style: chr21-46151569-C-T. GRCh37 (hg19) VCF-style: chr21-47571483-C-T.
Other names: c.625G>A, p.Gly209Arg (NM_001320412.2, NM_006657.3); short protein forms G209R.
Identifiers: ClinVar variation 340431 (VCV000340431.9), dbSNP rs367906516, ClinGen allele CA10073808.

ClinVar aggregate classification (germline): Uncertain significance. Review status: criteria provided, multiple submitters, no conflicts (2 of 4 stars). 2 submissions from 2 submitters: Uncertain significance (2). Last evaluated 2025-03-30.

Conditions:
Inborn genetic diseases. Identifiers: MedGen C0950123, MeSH D030342.
Glutamate formiminotransferase deficiency. Also called: Arakawa syndrome 1; Formiminoglutamic aciduria. Identifiers: Orphanet 51208, MedGen C0268609, MONDO:0009240, OMIM 229100.

Allele frequency attached by ClinVar (database versions not stated): gnomAD exomes 0.00005 and 0.00008; ExAC 0.00007; gnomAD 0.00007; ESP Exome Variant Server 0.00008; TOPMed 0.00008; 1000 Genomes Project 30x 0.00016; 1000 Genomes Project 0.00020.

Submissions (2):

Ambry Genetics
Classification: Uncertain significance for Inborn genetic diseases. Last evaluated: 2025-03-30. Review status: criteria provided, single submitter. Criteria: Ambry Variant Classification Scheme 2023. Collection method: clinical testing. Allele origin: germline.

Labcorp Genetics (formerly Invitae), Labcorp
Classification: Uncertain significance for Glutamate formiminotransferase deficiency. Last evaluated: 2023-12-06. Review status: criteria provided, single submitter. Criteria: Invitae Variant Classification Sherloc (09022015). Collection method: clinical testing. Allele origin: germline.
Comment: This sequence change replaces glycine, which is neutral and non-polar, with arginine, which is basic and polar, at codon 209 of the FTCD protein (p.Gly209Arg). This variant is present in population databases (rs367906516, gnomAD 0.03%). This variant has not been reported in the literature in individuals affected with FTCD-related conditions. ClinVar contains an entry for this variant (Variation ID: 340431). Advanced modeling of protein sequence and biophysical properties (such as structural, functional, and spatial information, amino acid conservation, physicochemical variation, residue mobility, and thermodynamic stability) performed at Invitae indicates that this missense variant is not expected to disrupt FTCD protein function with a negative predictive value of 80%. In summary, the available evidence is currently insufficient to determine the role of this variant in disease. Therefore, it has been classified as a Variant of Uncertain Significance.